The following is an entry in ClinVar:

ClinVar aggregate classification (germline): Conflicting classifications of pathogenicity. Review status: criteria provided, conflicting classifications (1 of 4 stars). 4 submissions from 4 submitters: Uncertain significance (2); Likely benign (2). Last evaluated 2026-01-24.

Conditions:
Intellectual developmental disorder, autosomal dominant 43. Also called: Intellectual disability, autosomal dominant 43. Identifiers: MedGen C4707429, MONDO:0014858, OMIM 616977.
Inborn genetic diseases. Identifiers: MedGen C0950123, MeSH D030342.

Allele frequency attached by ClinVar (database versions not stated): gnomAD exomes 0.00002; TOPMed 0.00002; ExAC 0.00003; gnomAD 0.00003; 1000 Genomes Project 30x 0.00016; 1000 Genomes Project 0.00020.
gnomAD v4.1: 45 of 1,613,014 alleles (0.0028%); highest among the groups gnomAD compares: Middle Eastern, 0.049%; no homozygotes.

Submissions (4):

Labcorp Genetics (formerly Invitae), Labcorp
Classification: Likely benign. Last evaluated: 2026-01-24. Review status: criteria provided, single submitter. Criteria: Invitae Variant Classification Sherloc (09022015). Collection method: clinical testing. Allele origin: germline.

CeGaT Center for Human Genetics Tuebingen
Classification: Likely benign. Last evaluated: 2022-05-01. Review status: criteria provided, single submitter. Criteria: CeGaT Center For Human Genetics Tuebingen Variant Classification Criteria Version 2. Collection method: clinical testing. Allele origin: germline. Affected: yes. Observed: 1 variant allele.
Comment: HIVEP2: BP4, BS2

Laboratorio de Genetica e Diagnostico Molecular, Hospital Israelita Albert Einstein
Classification: Uncertain significance for Intellectual developmental disorder, autosomal dominant 43. Last evaluated: 2022-03-02. Review status: criteria provided, single submitter. Criteria: ACMG Guidelines, 2015. Collection method: clinical testing. Allele origin: germline. Affected: yes. Observed: 1 variant allele.
Comment: ACMG classification criteria: BP4 supporting

Ambry Genetics
Classification: Uncertain significance for Inborn genetic diseases. Last evaluated: 2021-12-03. Review status: criteria provided, single submitter. Criteria: Ambry Variant Classification Scheme 2023. Collection method: clinical testing. Allele origin: germline.

NM_006734.4(HIVEP2):c.3383C>T (p.Pro1128Leu)

Gene: HIVEP2 (HIVEP zinc finger 2; minus strand). Cytogenetic location: 6q24.2.
Variant type: single nucleotide variant.
Coding change: c.3383C>T on transcript NM_006734.4 (MANE Select); coding-DNA position 3383, C replaced by T.
Protein change: p.Pro1128Leu; replaces proline 1128 with leucine.
Molecular consequence: missense variant.
Genome position (GRCh38, 1-based): chr6:142,771,356, G>A on the plus strand (C>T on the coding strand, the complement: HIVEP2 is on the minus strand). VCF-style: chr6-142771356-G-A. GRCh37 (hg19) VCF-style: chr6-143092493-G-A.
Other names: c.3383C>T (NM_006734.3); short protein forms P1128L.
Identifiers: ClinVar variation 2181395 (VCV002181395.30), dbSNP rs201295344, ClinGen allele CA4028264.